The following is an entry in ClinVar:

NM_022367.4(SEMA4A):c.674G>C (p.Arg225Pro)

Gene: SEMA4A (semaphorin 4A; plus strand). Cytogenetic location: 1q22.
Variant type: single nucleotide variant.
Coding change: c.674G>C on transcript NM_022367.4 (MANE Select); coding-DNA position 674, G replaced by C.
Protein change: p.Arg225Pro; replaces arginine 225 with proline.
Molecular consequence: missense variant.
Genome position (GRCh38, 1-based): chr1:156,160,548, G>C. VCF-style: chr1-156160548-G-C. GRCh37 (hg19) VCF-style: chr1-156130339-G-C.
Other names: c.674G>C, p.Arg225Pro (NM_001193300.2, NM_001193301.2, NM_001370567.1); c.278G>C, p.Arg93Pro (NM_001193302.2); c.377G>C, p.Arg126Pro (NM_001370568.1); c.167G>C, p.Arg56Pro (NM_001370569.1, NM_001370571.1); short protein forms R225P, R126P, R56P, R93P.
Identifiers: ClinVar variation 4700043 (VCV004700043.1).

ClinVar aggregate classification (germline): Uncertain significance (1 of 4 stars; one submission).

gnomAD v4.1: 12 of 1,613,796 alleles (0.00074%); highest among the groups gnomAD compares: South Asian, 0.013%; no homozygotes.

Submission:

Labcorp Genetics (formerly Invitae), Labcorp
Classification: Uncertain significance. Last evaluated: 2025-06-22. Review status: criteria provided, single submitter. Criteria: Invitae Variant Classification Sherloc (09022015). Collection method: clinical testing. Allele origin: germline.
Comment: This sequence change replaces arginine, which is basic and polar, with proline, which is neutral and non-polar, at codon 225 of the SEMA4A protein (p.Arg225Pro). This variant is present in population databases (no rsID available, gnomAD 0.01%). This variant has not been reported in the literature in individuals affected with SEMA4A-related conditions. Invitae Evidence Modeling of protein sequence and biophysical properties (such as structural, functional, and spatial information, amino acid conservation, physicochemical variation, residue mobility, and thermodynamic stability) indicates that this missense variant is not expected to disrupt SEMA4A protein function with a negative predictive value of 80%. In summary, the available evidence is currently insufficient to determine the role of this variant in disease. Therefore, it has been classified as a Variant of Uncertain Significance.